The following is an entry in ClinVar:

ClinVar aggregate classification (germline): Uncertain significance. Review status: criteria provided, multiple submitters, no conflicts (2 of 4 stars). 2 submissions from 2 submitters: Uncertain significance (2). Last evaluated 2024-05-06.

Allele frequency attached by ClinVar (database versions not stated): gnomAD 0.00001; ExAC 0.00005; 1000 Genomes Project 30x 0.00016; 1000 Genomes Project 0.00020.
gnomAD v4.1: 31 of 1,613,982 alleles (0.0019%); highest among the groups gnomAD compares: South Asian, 0.034%; 1 homozygote.

Submissions (2):

Labcorp Genetics (formerly Invitae), Labcorp
Classification: Uncertain significance. Last evaluated: 2024-05-06. Review status: criteria provided, single submitter. Criteria: Invitae Variant Classification Sherloc (09022015). Collection method: clinical testing. Allele origin: germline.
Comment: This sequence change replaces proline, which is neutral and non-polar, with arginine, which is basic and polar, at codon 532 of the LCA5 protein (p.Pro532Arg). This variant is present in population databases (rs532500940, gnomAD 0.04%). This variant has not been reported in the literature in individuals affected with LCA5-related conditions. ClinVar contains an entry for this variant (Variation ID: 2044698). Advanced modeling of protein sequence and biophysical properties (such as structural, functional, and spatial information, amino acid conservation, physicochemical variation, residue mobility, and thermodynamic stability) performed at Invitae indicates that this missense variant is not expected to disrupt LCA5 protein function with a negative predictive value of 80%. In summary, the available evidence is currently insufficient to determine the role of this variant in disease. Therefore, it has been classified as a Variant of Uncertain Significance.

Blueprint Genetics
Classification: Uncertain significance. Last evaluated: 2019-08-22. Review status: criteria provided, single submitter. Criteria: ACMG Guidelines, 2015. Collection method: clinical testing. Allele origin: germline.

NM_001122769.3(LCA5):c.1595C>G (p.Pro532Arg)

Gene: LCA5 (lebercilin LCA5; minus strand). Cytogenetic location: 6q14.1.
Variant type: single nucleotide variant.
Coding change: c.1595C>G on transcript NM_001122769.3 (MANE Select); coding-DNA position 1595, C replaced by G.
Protein change: p.Pro532Arg; replaces proline 532 with arginine.
Molecular consequence: missense variant.
Genome position (GRCh38, 1-based): chr6:79,487,503, G>C on the plus strand (C>G on the coding strand, the complement: LCA5 is on the minus strand). VCF-style: chr6-79487503-G-C. GRCh37 (hg19) VCF-style: chr6-80197220-G-C.
Other names: c.1595C>G, p.Pro532Arg (NM_181714.4); short protein forms P532R.
Identifiers: ClinVar variation 2044698 (VCV002044698.3), dbSNP rs532500940, ClinGen allele CA3900801.
Genomic context (GRCh38, chr6:79,487,503, plus strand): 5'-GCGAACTCATTAGGGGAGGCTGGACTTCTAACATTTCCTGAATTCTGACCTTCTCCTTTT[G>C]GAGTTGAGAAACTGATGTCTTGCAAATGATGCCCATTAAATAATCTCTCTGAGGATTCAG-3'
Protein context (NP_001116241.1, residues 522-542): HHLQDISFST[Pro532Arg]KGEGQNSGNV